The following is an entry in ClinVar:

NM_024685.4(BBS10):c.*6del

Gene: BBS10 (Bardet-Biedl syndrome 10; minus strand). Cytogenetic location: 12q21.2.
Variant type: Deletion.
Coding change: c.*6del on transcript NM_024685.4 (MANE Select); 6 bases downstream of the stop codon, one base deleted (G; older notation c.*6delG).
Molecular consequence: 3 prime UTR variant.
Genome position (GRCh38, 1-based): chr12:76,345,807, C deleted on the plus strand (G on the coding strand, the reverse complement: BBS10 is on the minus strand). VCF-style (leftmost placement, unchanged base first): chr12-76345806-TC-T. GRCh37 (hg19) VCF-style: chr12-76739586-TC-T.
Identifiers: ClinVar variation 4990869 (VCV004990869.1).

ClinVar aggregate classification (germline): Likely benign (1 of 4 stars; one submission).

Conditions:
BBS10-related disorder. Also called: BBS10-related condition.

Submission:

PreventionGenetics, part of Exact Sciences
Classification: Likely benign for BBS10-related condition. Last evaluated: 2025-03-18. Review status: criteria provided, single submitter. Criteria: ACMG Guidelines, 2015. Collection method: clinical testing. Allele origin: germline.
Comment: This variant is classified as likely benign based on ACMG/AMP sequence variant interpretation guidelines (Richards et al. 2015 PMID: 25741868, with internal and published modifications).